The following is an entry in ClinVar:

ClinVar aggregate classification (germline): Uncertain significance (1 of 4 stars; one submission).

Conditions:
Neurodevelopmental-craniofacial syndrome with variable renal and cardiac abnormalities. Identifiers: MedGen C5561984, MONDO:0859190, OMIM 619522.

gnomAD v4.1: 8 of 1,613,464 alleles (0.0005%); highest among the groups gnomAD compares: South Asian, 0.0066%; no homozygotes.

Submission:

Neuberg Centre For Genomic Medicine, NCGM
Classification: Uncertain significance for Neurodevelopmental-craniofacial syndrome with variable renal and cardiac abnormalities. Last evaluated: 2023-06-02. Review status: criteria provided, single submitter. Criteria: ACMG Guidelines, 2015. Collection method: clinical testing. Allele origin: germline. Inheritance: Autosomal dominant inheritance. Affected: yes.
Comment: The missense variant c.2819A>G (p.Lys940Arg) in the ZMYM2 gene has not been reported previously as a pathogenic variant nor as a benign variant, to our knowledge. This variant is reported with the allele frequency (0.001%) in the gnomAD Exomes. The amino acid Lys at position 940 is changed to a Arg changing protein sequence and it might alter its composition and physico-chemical properties. Multiple lines of computational evidence (Polyphen - Damaging, SIFT - Damaging and MutationTaster - Disease causing) predict a damaging effect on protein structure and function for this variant. The amino acid change p.Lys940Arg in ZMYM2 is predicted as conserved by GERP++ and PhyloP across 100 vertebrates. For these reasons, this variant has been classified as Uncertain Significance.

NM_197968.4(ZMYM2):c.2819A>G (p.Lys940Arg)

Gene: ZMYM2 (zinc finger MYM-type containing 2; plus strand). Cytogenetic location: 13q12.11.
Variant type: single nucleotide variant.
Coding change: c.2819A>G on transcript NM_197968.4 (MANE Select); coding-DNA position 2819, A replaced by G.
Protein change: p.Lys940Arg; replaces lysine 940 with arginine.
Molecular consequence: missense variant. On other transcripts: non-coding transcript variant (1).
Genome position (GRCh38, 1-based): chr13:20,061,132, A>G. VCF-style: chr13-20061132-A-G. GRCh37 (hg19) VCF-style: chr13-20635272-A-G.
Other names: c.2819A>G, p.Lys940Arg (NM_001190964.4, NM_001190965.4, NM_001353157.2 and 5 more transcripts); c.2624A>G, p.Lys875Arg (NM_001353161.3); c.2558A>G, p.Lys853Arg (NM_001353163.2); short protein forms K853R, K875R, K940R.
Identifiers: ClinVar variation 3362310 (VCV003362310.3).